The following is an entry in ClinVar:

NM_002354.3(EPCAM):c.265C>T (p.Gln89Ter)

Gene: EPCAM (epithelial cell adhesion molecule; plus strand). Cytogenetic location: 2p21.
Variant type: single nucleotide variant.
Coding change: c.265C>T on transcript NM_002354.3 (MANE Select); coding-DNA position 265, C replaced by T.
Protein change: p.Gln89Ter; replaces glutamine 89 with a stop codon.
Molecular consequence: nonsense.
Genome position (GRCh38, 1-based): chr2:47,373,888, C>T. VCF-style: chr2-47373888-C-T. GRCh37 (hg19) VCF-style: chr2-47601027-C-T.
Other names: short protein forms Q89*.
Identifiers: ClinVar variation 800510 (VCV000800510.5), dbSNP rs1324088403, ClinGen allele CA346722981.
Genomic context (GRCh38, chr2:47,373,888, plus strand): 5'-ATGAAGGCAGAAATGAATGGCTCAAAACTTGGGAGAAGAGCAAAACCTGAAGGGGCCCTC[C>T]AGAACAATGATGGGCTTTATGATCCTGACTGCGATGAGAGCGGGCTCTTTAAGGCCAAGC-3'

ClinVar aggregate classification (germline): Pathogenic. Review status: criteria provided, multiple submitters, no conflicts (2 of 4 stars). 2 submissions from 2 submitters: Pathogenic (2). Last evaluated 2019-01-08.

Conditions:
Congenital diarrhea 5 with tufting enteropathy. Also called: Congenital tufting enteropathy; INTESTINAL EPITHELIAL CELL DYSPLASIA. Identifiers: Orphanet 92050, MedGen C2750737, MONDO:0013184, OMIM 613217.

Submissions (2):

Revvity Omics, Revvity
Classification: Pathogenic. Last evaluated: 2019-01-08. Review status: criteria provided, single submitter. Criteria: ACMG Guidelines, 2015. Collection method: clinical testing. Allele origin: germline.

Broad Center for Mendelian Genomics, Broad Institute of MIT and Harvard
Classification: Pathogenic for Congenital diarrhea 5 with tufting enteropathy. Last evaluated: 2018-11-15. Review status: criteria provided, single submitter. Criteria: ACMG Guidelines, 2015. Collection method: research. Allele origin: germline. Inheritance: Autosomal recessive inheritance. Affected: yes.
Comment: This variant was absent from large population studies. Loss of function of the EPCAM gene is an established disease mechanism in autosomal recessive Diarrhea with Tufting Enteropathy, and this is a loss of function variant. In summary, this variant is likely pathogenic.